The following is an entry in ClinVar:

NM_016222.4(DDX41):c.866C>T (p.Ser289Leu)

Gene: DDX41 (DEAD-box helicase 41; minus strand). Cytogenetic location: 5q35.3.
Variant type: single nucleotide variant.
Coding change: c.866C>T on transcript NM_016222.4 (MANE Select); coding-DNA position 866, C replaced by T.
Protein change: p.Ser289Leu; replaces serine 289 with leucine.
Molecular consequence: missense variant.
Genome position (GRCh38, 1-based): chr5:177,514,770, G>A on the plus strand (C>T on the coding strand, the complement: DDX41 is on the minus strand). VCF-style: chr5-177514770-G-A. GRCh37 (hg19) VCF-style: chr5-176941771-G-A.
Other names: c.488C>T, p.Ser163Leu (NM_001321732.2, NM_001321830.2); short protein forms S163L, S289L.
Identifiers: ClinVar variation 4238766 (VCV004238766.1).

ClinVar aggregate classification (germline): Uncertain significance (1 of 4 stars; one submission).

Conditions:
Inborn genetic diseases. Identifiers: MedGen C0950123, MeSH D030342.

Submission:

Ambry Genetics
Classification: Uncertain significance for Inborn genetic diseases. Last evaluated: 2025-07-31. Review status: criteria provided, single submitter. Criteria: Ambry Variant Classification Scheme 2023. Collection method: clinical testing. Allele origin: germline.
Comment: The p.S289L variant (also known as c.866C>T), located in coding exon 9 of the DDX41 gene, results from a C to T substitution at nucleotide position 866. The serine at codon 289 is replaced by leucine, an amino acid with dissimilar properties. This variant was reported in individual(s) with features consistent with DDX41-related hematologic malignancy predisposition syndrome, but germline origin was not confirmed (Badar T et al. Haematologica, 2023 Nov;108:3033-3043). This amino acid position is not well conserved in available vertebrate species. In addition, this alteration is predicted to be tolerated by in silico analysis. Based on the available evidence, the clinical significance of this variant remains unclear.

Literature cited by the submitters: PubMed 37199125.